The following is an entry in ClinVar:

NM_144670.6(A2ML1):c.3103A>G (p.Thr1035Ala)

Gene: A2ML1 (alpha-2-macroglobulin like 1; plus strand). Cytogenetic location: 12p13.31.
Variant type: single nucleotide variant.
Coding change: c.3103A>G on transcript NM_144670.6 (MANE Select); coding-DNA position 3103, A replaced by G.
Protein change: p.Thr1035Ala; replaces threonine 1035 with alanine.
Molecular consequence: missense variant.
Genome position (GRCh38, 1-based): chr12:8,857,584, A>G. VCF-style: chr12-8857584-A-G. GRCh37 (hg19) VCF-style: chr12-9010180-A-G.
Other names: c.1630A>G, p.Thr544Ala (NM_001282424.3); short protein forms T1035A, T544A.
Identifiers: ClinVar variation 3844883 (VCV003844883.1).

ClinVar aggregate classification (germline): Uncertain significance (1 of 4 stars; one submission).

Submission:

Ambry Genetics
Classification: Uncertain significance. Last evaluated: 2025-01-21. Review status: criteria provided, single submitter. Criteria: Ambry Variant Classification Scheme 2023. Collection method: clinical testing. Allele origin: germline.
Comment: The p.T1035A variant (also known as c.3103A>G), located in coding exon 25 of the A2ML1 gene, results from an A to G substitution at nucleotide position 3103. The threonine at codon 1035 is replaced by alanine, an amino acid with similar properties. This amino acid position is conserved. In addition, this alteration is predicted to be tolerated by in silico analysis. Based on the available evidence, the clinical significance of this variant remains unclear.